The following is an entry in ClinVar:

NM_001267550.2(TTN):c.92580G>A (p.Met30860Ile)

Genes: TTN (titin; minus strand), TTN-AS1 (TTN antisense RNA 1; plus strand). Cytogenetic location: 2q31.2.
Variant type: single nucleotide variant.
Coding change: c.92580G>A on transcript NM_001267550.2 (MANE Select); coding-DNA position 92580, G replaced by A.
Protein change: p.Met30860Ile; replaces methionine 30860 with isoleucine.
Molecular consequence: missense variant.
Genome position (GRCh38, 1-based): chr2:178,549,046, C>T on the plus strand (G>A on the coding strand, the complement: TTN is on the minus strand). VCF-style: chr2-178549046-C-T. GRCh37 (hg19) VCF-style: chr2-179413773-C-T.
Other names: c.87657G>A, p.Met29219Ile (NM_001256850.1); c.65385G>A, p.Met21795Ile (NM_003319.4); c.84876G>A, p.Met28292Ile (NM_133378.4); c.65760G>A, p.Met21920Ile (NM_133432.3); c.65961G>A, p.Met21987Ile (NM_133437.4); short protein forms M21920I, M28292I, M21987I, M30860I, M21795I, M29219I.
Identifiers: ClinVar variation 3731160 (VCV003731160.1).
Genomic context (GRCh38, chr2:178,549,046, plus strand): 5'-TCTTGTTTTCACACATGCCTCTGCATTCACCTTGTGCCAGTCTCCTAAGTCGGCCTTACA[C>T]ATTTCAATAATATACCCAATTATTTCCATGCCACCATCAAACACTGGTTTGGACCATTCT-3'
Protein context (NP_001254479.2, residues 30850-30870): GMEIIGYIIE[Met30860Ile]CKADLGDWHK

ClinVar aggregate classification (germline): Uncertain significance (1 of 4 stars; one submission).

gnomAD v4.1: 17 of 1,613,908 alleles (0.0011%); highest among the groups gnomAD compares: Non-Finnish European, 0.0014%; no homozygotes.

Submission:

GeneDx
Classification: Uncertain significance. Last evaluated: 2024-08-14. Review status: criteria provided, single submitter. Criteria: GeneDx Variant Classification Process June 2021. Collection method: clinical testing. Allele origin: germline. Affected: yes.
Comment: Not observed at significant frequency in large population cohorts (gnomAD); Missense variant in a gene in which most reported pathogenic variants are truncating/loss of function; Has not been previously published as pathogenic or benign to our knowledge